The following is an entry in ClinVar:

NM_033517.1:c.3062A>G

Gene: SHANK3 (SH3 and multiple ankyrin repeat domains 3; plus strand).
Variant type: single nucleotide variant.
Other names: c.3062A>G (NM_033517.1).
Identifiers: ClinVar variation 4755715 (VCV004755715.1).

ClinVar aggregate classification (germline): Uncertain significance (1 of 4 stars; one submission).

Submission:

GeneDx
Classification: Uncertain significance. Last evaluated: 2025-08-02. Review status: criteria provided, single submitter. Criteria: GeneDx Variant Classification Process June 2021. Collection method: clinical testing. Allele origin: germline. Affected: yes.
Comment: Not observed at significant frequency in large population cohorts (gnomAD); In silico analysis does not support a benign or deleterious effect of this variant on protein structure/function; Has not been previously published as pathogenic or benign to our knowledge